The following is an entry in ClinVar:

ClinVar aggregate classification (germline): Pathogenic (1 of 4 stars; one submission).

Conditions:
Interstitial pneumonitis. Identifiers: MedGen C0206061, HP:0006515.

Submission:

Equipe Genetique des Anomalies du Developpement, Université de Bourgogne
Classification: Pathogenic for Interstitial pneumonitis. Review status: criteria provided, single submitter. Criteria: ACMG Guidelines, 2015. Collection method: clinical testing. Allele origin: paternal. Affected: yes.

NM_000203.5(IDUA):c.1589_1596dup (p.Pro533fs)

Gene: IDUA (alpha-L-iduronidase; plus strand). Cytogenetic location: 4p16.3.
Variant type: Duplication.
Coding change: c.1589_1596dup on transcript NM_000203.5 (MANE Select); coding-DNA positions 1589 to 1596, 8 bases duplicated (TGCGGCTG; older notation c.1589_1596dupTGCGGCTG).
Protein change: p.Pro533fs; shifts the reading frame from proline 533.
Molecular consequence: frameshift variant. On other transcripts: non-coding transcript variant (1).
Genome position (GRCh38, 1-based): chr4:1,003,409-1,003,416, TGCGGCTG duplicated. VCF-style (leftmost placement, unchanged base first): chr4-1003408-C-CTGCGGCTG. GRCh37 (hg19) VCF-style: chr4-997196-C-CTGCGGCTG.
Other names: c.1193_1200dup, p.Pro401fs (NM_001363576.1); short protein forms P401fs, P533fs.
Identifiers: ClinVar variation 1172652 (VCV001172652.1), dbSNP rs2153022916, ClinGen allele CA2499217021.